The following is an entry in ClinVar:

NM_022095.4(ZNF335):c.2659C>T (p.Pro887Ser)

Gene: ZNF335 (zinc finger protein 335; minus strand). Cytogenetic location: 20q13.12.
Variant type: single nucleotide variant.
Coding change: c.2659C>T on transcript NM_022095.4 (MANE Select); coding-DNA position 2659, C replaced by T.
Protein change: p.Pro887Ser; replaces proline 887 with serine.
Molecular consequence: missense variant.
Genome position (GRCh38, 1-based): chr20:45,953,732, G>A on the plus strand (C>T on the coding strand, the complement: ZNF335 is on the minus strand). VCF-style: chr20-45953732-G-A. GRCh37 (hg19) VCF-style: chr20-44582371-G-A.
Other names: short protein forms P887S.
Identifiers: ClinVar variation 2127099 (VCV002127099.4), dbSNP rs1568809196, ClinGen allele CA409240300.

ClinVar aggregate classification (germline): Uncertain significance (1 of 4 stars; one submission).

Allele frequency attached by ClinVar (database versions not stated): gnomAD exomes below 0.00001.

Submission:

Labcorp Genetics (formerly Invitae), Labcorp
Classification: Uncertain significance. Last evaluated: 2022-06-23. Review status: criteria provided, single submitter. Criteria: Invitae Variant Classification Sherloc (09022015). Collection method: clinical testing. Allele origin: germline.
Comment: This variant is not present in population databases (gnomAD no frequency). This sequence change replaces proline, which is neutral and non-polar, with serine, which is neutral and polar, at codon 887 of the ZNF335 protein (p.Pro887Ser). This variant has not been reported in the literature in individuals affected with ZNF335-related conditions. In summary, the available evidence is currently insufficient to determine the role of this variant in disease. Therefore, it has been classified as a Variant of Uncertain Significance. Algorithms developed to predict the effect of missense changes on protein structure and function are either unavailable or do not agree on the potential impact of this missense change (SIFT: "Deleterious"; PolyPhen-2: "Benign"; Align-GVGD: "Class C0").